The following is an entry in ClinVar:

NM_004006.3(DMD):c.831+2T>C

Gene: DMD (dystrophin; minus strand). Cytogenetic location: Xp21.1.
Variant type: single nucleotide variant.
Coding change: c.831+2T>C on transcript NM_004006.3 (MANE Select); the canonical splice donor site of the intron after coding-DNA position 831, T replaced by C.
Molecular consequence: splice donor variant.
Genome position (GRCh38, 1-based): chrX:32,699,110, A>G on the plus strand (T>C on the coding strand, the complement: DMD is on the minus strand). VCF-style: chrX-32699110-A-G. GRCh37 (hg19) VCF-style: chrX-32717227-A-G.
Other names: c.807+2T>C (NM_000109.4); c.819+2T>C (NM_004009.3); c.462+2T>C (NM_004010.3).
Identifiers: ClinVar variation 4710700 (VCV004710700.1), dbSNP rs2147603053.
Genomic context (GRCh38, chrX:32,699,110, plus strand): 5'-ACCTAAAAATGCATATAAAACAGAAAACATCTTGAATAGTAGCTGTCCTTTACACACTTT[A>G]CCTGTTGAGAATAGTGCATTTGATGATGTAACTGAAAATGTTCTTCTTTAGTCACTTTAG-3'

ClinVar aggregate classification (germline): Pathogenic (1 of 4 stars; one submission).

Conditions:
Duchenne muscular dystrophy (DMD). Also called: MUSCULAR DYSTROPHY, PSEUDOHYPERTROPHIC PROGRESSIVE, DUCHENNE TYPE; Duchenne Muscular Dystrophy (DMD). Identifiers: Orphanet 98896, MedGen C0013264, MONDO:0010679, OMIM 310200.

Submission:

Labcorp Genetics (formerly Invitae), Labcorp
Classification: Pathogenic for Duchenne muscular dystrophy. Last evaluated: 2025-07-09. Review status: criteria provided, single submitter. Criteria: Invitae Variant Classification Sherloc (09022015). Collection method: clinical testing. Allele origin: germline.
Comment: This sequence change affects a donor splice site in intron 8 of the DMD gene. It is expected to disrupt RNA splicing. Variants that disrupt the donor or acceptor splice site typically lead to a loss of protein function (PMID: 16199547), and loss-of-function variants in DMD are known to be pathogenic (PMID: 16770791, 25007885). This variant is not present in population databases (gnomAD no frequency). Disruption of this splice site has been observed in individuals with DMD-related muscular dystrophy (PMID: 28859693; internal data). Algorithms developed to predict the effect of sequence changes on RNA splicing suggest that this variant may disrupt the consensus splice site. For these reasons, this variant has been classified as Pathogenic.

Literature cited by the submitters: PubMed 16199547; PubMed 16770791; PubMed 25007885; PubMed 28859693.